The following is an entry in ClinVar:

NM_001253697.2(ERBIN):c.3203C>A (p.Ala1068Glu)

Gene: ERBIN (erbb2 interacting protein; plus strand). Cytogenetic location: 5q12.3.
Variant type: single nucleotide variant.
Coding change: c.3203C>A on transcript NM_001253697.2 (MANE Select); coding-DNA position 3203, C replaced by A.
Protein change: p.Ala1068Glu; replaces alanine 1068 with glutamic acid.
Molecular consequence: missense variant.
Genome position (GRCh38, 1-based): chr5:66,054,521, C>A. VCF-style: chr5-66054521-C-A. GRCh37 (hg19) VCF-style: chr5-65350349-C-A.
Other names: c.3203C>A, p.Ala1068Glu (NM_001006600.3, NM_001253698.2, NM_001253699.2 and 1 more transcripts); c.3191C>A, p.Ala1064Glu (NM_001253701.2); short protein forms A1068E, A1064E.
Identifiers: ClinVar variation 2013048 (VCV002013048.4), dbSNP rs1410610057, ClinGen allele CA359869182.

ClinVar aggregate classification (germline): Uncertain significance (1 of 4 stars; one submission).

Submission:

Labcorp Genetics (formerly Invitae), Labcorp
Classification: Uncertain significance. Last evaluated: 2023-06-27. Review status: criteria provided, single submitter. Criteria: Invitae Variant Classification Sherloc (09022015). Collection method: clinical testing. Allele origin: germline.
Comment: This variant has not been reported in the literature in individuals affected with ERBIN-related conditions. This sequence change replaces alanine, which is neutral and non-polar, with glutamic acid, which is acidic and polar, at codon 1068 of the ERBIN protein (p.Ala1068Glu). This variant is not present in population databases (gnomAD no frequency). ClinVar contains an entry for this variant (Variation ID: 2013048). An algorithm developed to predict the effect of missense changes on protein structure and function (PolyPhen-2) suggests that this variant is likely to be tolerated. In summary, the available evidence is currently insufficient to determine the role of this variant in disease. Therefore, it has been classified as a Variant of Uncertain Significance.